The following is an entry in ClinVar:

ClinVar aggregate classification (germline): Uncertain significance. Review status: criteria provided, multiple submitters, no conflicts (2 of 4 stars). 2 submissions from 2 submitters: Uncertain significance (2). Last evaluated 2025-08-18.

Conditions:
Inborn genetic diseases. Identifiers: MedGen C0950123, MeSH D030342.

Allele frequency attached by ClinVar (database versions not stated): gnomAD 0.00001; gnomAD exomes 0.00001 and below 0.00001; ESP Exome Variant Server 0.00008; TOPMed below 0.00001; ExAC 0.00002.
gnomAD v4.1: 7 of 1,613,974 alleles (0.00043%); highest among the groups gnomAD compares: Admixed American, 0.0017%; no homozygotes.

Submissions (2):

Labcorp Genetics (formerly Invitae), Labcorp
Classification: Uncertain significance. Last evaluated: 2025-08-18. Review status: criteria provided, single submitter. Criteria: Invitae Variant Classification Sherloc (09022015). Collection method: clinical testing. Allele origin: germline.
Comment: This sequence change replaces threonine, which is neutral and polar, with arginine, which is basic and polar, at codon 906 of the ABCC6 protein (p.Thr906Arg). This variant is present in population databases (rs375890241, gnomAD 0.003%). This variant has not been reported in the literature in individuals affected with ABCC6-related conditions. ClinVar contains an entry for this variant (Variation ID: 1473486). Invitae Evidence Modeling of protein sequence and biophysical properties (such as structural, functional, and spatial information, amino acid conservation, physicochemical variation, residue mobility, and thermodynamic stability) indicates that this missense variant is not expected to disrupt ABCC6 protein function with a negative predictive value of 95%. In summary, the available evidence is currently insufficient to determine the role of this variant in disease. Therefore, it has been classified as a Variant of Uncertain Significance.

Ambry Genetics
Classification: Uncertain significance for Inborn genetic diseases. Last evaluated: 2024-03-04. Review status: criteria provided, single submitter. Criteria: Ambry Variant Classification Scheme 2023. Collection method: clinical testing. Allele origin: germline.

NM_001171.6(ABCC6):c.2717C>G (p.Thr906Arg)

Gene: ABCC6 (ATP binding cassette subfamily C member 6; minus strand). Cytogenetic location: 16p13.11.
Variant type: single nucleotide variant.
Coding change: c.2717C>G on transcript NM_001171.6 (MANE Select); coding-DNA position 2717, C replaced by G.
Protein change: p.Thr906Arg; replaces threonine 906 with arginine.
Molecular consequence: missense variant. On other transcripts: non-coding transcript variant (1).
Genome position (GRCh38, 1-based): chr16:16,173,354, G>C on the plus strand (C>G on the coding strand, the complement: ABCC6 is on the minus strand). VCF-style: chr16-16173354-G-C. GRCh37 (hg19) VCF-style: chr16-16267211-G-C.
Other names: c.2717C>G (NM_001171.5); c.2375C>G, p.Thr792Arg (NM_001351800.1); short protein forms T906R, T792R.
Identifiers: ClinVar variation 1473486 (VCV001473486.5), dbSNP rs375890241, ClinGen allele CA7925809.